The following is an entry in ClinVar:

NM_000548.5(TSC2):c.2188G>T (p.Val730Leu)

Gene: TSC2 (TSC complex subunit 2; plus strand). Cytogenetic location: 16p13.3.
Variant type: single nucleotide variant.
Coding change: c.2188G>T on transcript NM_000548.5 (MANE Select); coding-DNA position 2188, G replaced by T.
Protein change: p.Val730Leu; replaces valine 730 with leucine.
Molecular consequence: missense variant.
Genome position (GRCh38, 1-based): chr16:2,072,331, G>T. VCF-style: chr16-2072331-G-T. GRCh37 (hg19) VCF-style: chr16-2122332-G-T.
Other names: c.2188G>T, p.Val730Leu (NM_001077183.3, NM_001114382.3, NM_001363528.2 and 3 more transcripts); c.2077G>T, p.Val693Leu (NM_001318827.2); c.2041G>T, p.Val681Leu (NM_001318829.2); c.1588G>T, p.Val530Leu (NM_001318831.2); c.2221G>T, p.Val741Leu (NM_001318832.2); short protein forms V693L, V681L, V741L, V530L, V730L.
Identifiers: ClinVar variation 1514691 (VCV001514691.8), dbSNP rs1555506559, ClinGen allele CA394274998.
Genomic context (GRCh38, chr16:2,072,331, plus strand): 5'-CTGGGCAGGCTGCCTGAGTCCCTGCGCTATAAAGTGCTCATCTTTACTTCCCCTTGCAGT[G>T]TGGACCAGCTGTGCTCTGCTCTCTGCTCCATGGTACCATGGCCGGCCTGGGGTTGGGGTG-3'
Protein context (NP_000539.2, residues 720-740): KVLIFTSPCS[Val730Leu]DQLCSALCSM

ClinVar aggregate classification (germline): Uncertain significance (1 of 4 stars; one submission).

Conditions:
Tuberous sclerosis 2 (TSC2). Identifiers: Orphanet 805, MedGen C1860707, MONDO:0013199, OMIM 613254.

Submission:

Labcorp Genetics (formerly Invitae), Labcorp
Classification: Uncertain significance for Tuberous sclerosis 2. Last evaluated: 2021-06-21. Review status: criteria provided, single submitter. Criteria: Invitae Variant Classification Sherloc (09022015). Collection method: clinical testing. Allele origin: germline.
Comment: This variant is not present in population databases (ExAC no frequency). This sequence change replaces valine with leucine at codon 730 of the TSC2 protein (p.Val730Leu). The valine residue is weakly conserved and there is a small physicochemical difference between valine and leucine. This variant has not been reported in the literature in individuals with TSC2-related conditions. In summary, the available evidence is currently insufficient to determine the role of this variant in disease. Therefore, it has been classified as a Variant of Uncertain Significance. Advanced modeling of protein sequence and biophysical properties (such as structural, functional, and spatial information, amino acid conservation, physicochemical variation, residue mobility, and thermodynamic stability) performed at Invitae indicates that this missense variant is not expected to disrupt TSC2 protein function.